The following is an entry in ClinVar:

NM_018163.3(DNAJC17):c.54T>G (p.Ile18Met)

Genes: DNAJC17 (DnaJ heat shock protein family (Hsp40) member C17; minus strand), ZFYVE19 (zinc finger FYVE-type containing 19; plus strand), LOC130056871 (ATAC-STARR-seq lymphoblastoid active region 9265; plus strand). Cytogenetic location: 15q15.1.
Variant type: single nucleotide variant.
Coding change: c.54T>G on transcript NM_018163.3 (MANE Select); coding-DNA position 54, T replaced by G.
Protein change: p.Ile18Met; replaces isoleucine 18 with methionine.
Molecular consequence: missense variant. On other transcripts: 5 prime UTR variant (3), synonymous variant (1).
Genome position (GRCh38, 1-based): chr15:40,807,393, A>C on the plus strand (T>G on the coding strand, the complement: DNAJC17 is on the minus strand). VCF-style: chr15-40807393-A-C. GRCh37 (hg19) VCF-style: chr15-41099591-A-C.
Other names: c.-197A>C (NM_001077268.2, NM_001258420.2); c.-525A>C (NM_001258421.2); c.105A>C, p.Ser35= (NM_032850.5); short protein forms I18M.
Identifiers: ClinVar variation 2100716 (VCV002100716.4), dbSNP rs2504707218, ClinGen allele CA391753297.

ClinVar aggregate classification (germline): Uncertain significance (1 of 4 stars; one submission).

Submission:

Labcorp Genetics (formerly Invitae), Labcorp
Classification: Uncertain significance. Last evaluated: 2022-02-20. Review status: criteria provided, single submitter. Criteria: Invitae Variant Classification Sherloc (09022015). Collection method: clinical testing. Allele origin: germline.
Comment: This variant is not present in population databases (gnomAD no frequency). This variant has not been reported in the literature in individuals affected with DNAJC17-related conditions. In summary, the available evidence is currently insufficient to determine the role of this variant in disease. Therefore, it has been classified as a Variant of Uncertain Significance. Algorithms developed to predict the effect of missense changes on protein structure and function are either unavailable or do not agree on the potential impact of this missense change (SIFT: "Deleterious"; PolyPhen-2: "Possibly Damaging"; Align-GVGD: "Class C0"). This sequence change replaces isoleucine, which is neutral and non-polar, with methionine, which is neutral and non-polar, at codon 18 of the DNAJC17 protein (p.Ile18Met).